The following is an entry in ClinVar:

ClinVar aggregate classification (germline): Benign/Likely benign. Review status: criteria provided, multiple submitters, no conflicts (2 of 4 stars). 7 submissions from 7 submitters: Benign (1); Likely benign (2). 4 of the submissions do not count toward it. Last evaluated 2026-02-06.

Conditions:
CFP-related disorder. Also called: CFP-related condition.

Allele frequency attached by ClinVar (database versions not stated): 1000 Genomes Project 30x 0.00125; 1000 Genomes Project 0.00132; gnomAD 0.00133 and 0.00182; gnomAD exomes 0.00136 and 0.00143; ESP Exome Variant Server 0.00142; ExAC 0.00149; TOPMed 0.00169.
gnomAD v4.1: 1,766 of 1,210,303 alleles (0.15%); highest among the groups gnomAD compares: Middle Eastern, 0.18%; 5 homozygotes.

Submissions (7):

Women's Health and Genetics/Laboratory Corporation of America, LabCorp
Classification: Likely benign. Last evaluated: 2026-02-06. Review status: criteria provided, single submitter. Criteria: LabCorp Variant Classification Summary - May 2015. Collection method: clinical testing. Allele origin: germline.
Comment: Variant summary: CFP c.895G>A (p.Asp299Asn) results in a conservative amino acid change in the encoded protein sequence. Algorithms developed to predict the effect of missense changes on protein structure and function all suggest that this variant is likely to be tolerated. The variant allele was found at a frequency of 0.0014 in 180044 control chromosomes, predominantly at a frequency of 0.0058 within the Finnish subpopulation in the gnomAD database, including 1 homozygote. The observed variant frequency within Finnish control individuals in the gnomAD database exceeds the estimated maximal expected allele frequency for disease-causing variants in CFP. c.895G>A has been observed in individuals from an inflammatory disease cohort and with C3 glomerulonephropathy (e.g., Omoyinmi_2017, Rydberg_2023). These reports do not provide unequivocal conclusions about association of the variant with Properdin deficiency, X-linked. To our knowledge, no experimental evidence demonstrating an impact on protein function has been reported. The following publications have been ascertained in the context of this evaluation (PMID: 28750028, 37744338). ClinVar contains an entry for this variant (Variation ID: 726140). Based on the evidence outlined above, the variant was classified as likely benign.

Labcorp Genetics (formerly Invitae), Labcorp
Classification: Benign. Last evaluated: 2026-01-26. Review status: criteria provided, single submitter. Criteria: Invitae Variant Classification Sherloc (09022015). Collection method: clinical testing. Allele origin: germline.

Blueprint Genetics
Classification: Likely benign. Last evaluated: 2024-11-07. Review status: criteria provided, single submitter. Criteria: ACMG Guidelines, 2015. Collection method: clinical testing. Allele origin: germline.

PreventionGenetics, part of Exact Sciences
Classification: Likely benign for CFP-related condition. Last evaluated: 2020-08-19. Review status: no assertion criteria provided. Collection method: clinical testing. Allele origin: germline. Not counted in ClinVar's aggregate classification.
Comment: This variant is classified as likely benign based on ACMG/AMP sequence variant interpretation guidelines (Richards et al. 2015 PMID: 25741868, with internal and published modifications).

Clinical Genetics DNA and cytogenetics Diagnostics Lab, Erasmus MC, Erasmus Medical Center
Classification: Likely benign. Review status: no assertion criteria provided. Collection method: clinical testing. Allele origin: germline. Affected: yes. Study: VKGL Data-share Consensus. Not counted in ClinVar's aggregate classification.

Department of Pathology and Laboratory Medicine, Sinai Health System
Classification: Likely benign. Review status: no assertion criteria provided. Collection method: clinical testing. Allele origin: unknown. Affected: yes. Study: The Canadian Open Genetics Repository (COGR). Not counted in ClinVar's aggregate classification.
Comment: The CFP p.Asp299Asn variant was not identified in the literature but was identified in dbSNP (ID: rs61737993) and ClinVar (classified as benign by Invitae). The variant was identified in control databases in 297 of 201777 chromosomes (1 homozygous; 90 hemizygous) at a frequency of 0.001472 increasing the likelihood this could be a low frequency benign variant (Genome Aggregation Database March 6, 2019, v2.1.1). The variant was observed in the following populations: European (Finnish) in 111 of 18010 chromosomes (freq: 0.006163), Other in 13 of 5226 chromosomes (freq: 0.002488), European (non-Finnish) in 151 of 91007 chromosomes (freq: 0.001659), Ashkenazi Jewish in 3 of 7551 chromosomes (freq: 0.000397), Latino in 10 of 27793 chromosomes (freq: 0.00036), African in 5 of 18815 chromosomes (freq: 0.000266) and South Asian in 4 of 18593 chromosomes (freq: 0.000215), but was not observed in the East Asian population. The p.Asp299 residue is not conserved in mammals and computational analyses (PolyPhen-2, SIFT, AlignGVGD, BLOSUM, MutationTaster) provide inconsistent predictions regarding the impact to the protein; this information is not very predictive of pathogenicity. The variant occurs outside of the splicing consensus sequence and in silico or computational prediction software programs (SpliceSiteFinder, MaxEntScan, NNSPLICE, GeneSplicer) do not predict a difference in splicing. In summary, based on the above information the clinical significance of this variant cannot be determined with certainty at this time although we would lean towards a more benign role for this variant. This variant is classified as likely benign.

Genome Diagnostics Laboratory, University Medical Center Utrecht
Classification: Likely benign. Review status: no assertion criteria provided. Collection method: clinical testing. Allele origin: germline. Affected: yes. Study: VKGL Data-share Consensus. Not counted in ClinVar's aggregate classification.

Literature cited by the submitters: PubMed 28750028 (cited by Women's Health and Genetics/Laboratory Corporation of America, LabCorp); PubMed 37744338 (cited by Women's Health and Genetics/Laboratory Corporation of America, LabCorp).

NM_001145252.3(CFP):c.895G>A (p.Asp299Asn)

Gene: CFP (complement factor properdin; minus strand). Cytogenetic location: Xp11.23.
Variant type: single nucleotide variant.
Coding change: c.895G>A on transcript NM_001145252.3 (MANE Select); coding-DNA position 895, G replaced by A.
Protein change: p.Asp299Asn; replaces aspartic acid 299 with asparagine.
Molecular consequence: missense variant.
Genome position (GRCh38, 1-based): chrX:47,626,818, C>T on the plus strand (G>A on the coding strand, the complement: CFP is on the minus strand). VCF-style: chrX-47626818-C-T. GRCh37 (hg19) VCF-style: chrX-47486217-C-T.
Other names: c.895G>A, p.Asp299Asn (NM_002621.2); short protein forms D299N.
Identifiers: ClinVar variation 726140 (VCV000726140.18), dbSNP rs61737993, ClinGen allele CA10398888.